The following is an entry in ClinVar:

ClinVar aggregate classification (germline): Pathogenic (1 of 4 stars; one submission).

Conditions:
Marfan syndrome (MFS). Also called: MARFAN SYNDROME, TYPE I; Marfan syndrome type 1; Marfan's syndrome; Marfan syndrome, classic; FBN1-Related Marfan Syndrome. Identifiers: Orphanet 284963, Orphanet 558, MedGen C0024796, MONDO:0007947, OMIM 154700.
Familial thoracic aortic aneurysm and aortic dissection (TAAD). Also called: Thoracic aortic aneurysms and dissections. Identifiers: Orphanet 91387, MedGen C4707243, MONDO:0019625.

Submission:

Labcorp Genetics (formerly Invitae), Labcorp
Classification: Pathogenic for Marfan syndrome; Familial thoracic aortic aneurysm and aortic dissection. Last evaluated: 2021-11-04. Review status: criteria provided, single submitter. Criteria: Invitae Variant Classification Sherloc (09022015). Collection method: clinical testing. Allele origin: germline.
Comment: This sequence change replaces cysteine, which is neutral and slightly polar, with phenylalanine, which is neutral and non-polar, at codon 2663 of the FBN1 protein (p.Cys2663Phe). This variant is not present in population databases (gnomAD no frequency). This missense change has been observed in individual(s) with Marfan syndrome (PMID: 26787436). Advanced modeling of protein sequence and biophysical properties (such as structural, functional, and spatial information, amino acid conservation, physicochemical variation, residue mobility, and thermodynamic stability) performed at Invitae indicates that this missense variant is expected to disrupt FBN1 protein function. This variant affects a cysteine residue in the EGF-like, TGFBP or hybrid motif domains of FBN1. Cysteine residues are believed to be involved in intramolecular disulfide bridges and have been shown to be important for FBN1 protein structure (PMID: 16905551, 19349279). In addition, missense substitutions affecting cysteine residues within these domains are significantly overrepresented among patients with Marfan syndrome (PMID: 16571647, 17701892). This variant disrupts the p.Cys2663 amino acid residue in FBN1. Other variant(s) that disrupt this residue have been observed in individuals with FBN1-related conditions (PMID: 15221638, 27906200, 28855619), which suggests that this may be a clinically significant amino acid residue. For these reasons, this variant has been classified as Pathogenic.

Literature cited by the submitters: PubMed 26787436; PubMed 16905551; PubMed 19349279; PubMed 16571647; PubMed 17701892; PubMed 15221638; PubMed 27906200; PubMed 28855619.

NM_000138.5(FBN1):c.7988G>T (p.Cys2663Phe)

Gene: FBN1 (fibrillin 1; minus strand). Cytogenetic location: 15q21.1.
Variant type: single nucleotide variant.
Coding change: c.7988G>T on transcript NM_000138.5 (MANE Select); coding-DNA position 7988, G replaced by T.
Protein change: p.Cys2663Phe; replaces cysteine 2663 with phenylalanine.
Molecular consequence: missense variant.
Genome position (GRCh38, 1-based): chr15:48,415,599, C>A on the plus strand (G>T on the coding strand, the complement: FBN1 is on the minus strand). VCF-style: chr15-48415599-C-A. GRCh37 (hg19) VCF-style: chr15-48707796-C-A.
Other names: short protein forms C2663F.
Identifiers: ClinVar variation 1453782 (VCV001453782.6), dbSNP rs1597509631, ClinGen allele CA392322771.
Genomic context (GRCh38, chr15:48,415,599, plus strand): 5'-TGGCCTATGCGGAAGTAACCAGGTGGACAGCCACACAGGTAACCGCCCTCGGTATTGGAA[C>A]AGCCATAGCTGCAGGGGGCCTGCGCAGAGCCACATTCATTGATGTCTTGGCATCCTCCAC-3'
Protein context (NP_000129.3, residues 2653-2673): GSAQAPCSYG[Cys2663Phe]SNTEGGYLCG